The following is an entry in ClinVar:

NM_001034850.3(RETREG1):c.234G>A (p.Trp78Ter)

Genes: RETREG1 (reticulophagy regulator 1; minus strand), RETREG1-AS1 (RETREG1 antisense RNA 1; plus strand). Cytogenetic location: 5p15.1.
Variant type: single nucleotide variant.
Coding change: c.234G>A on transcript NM_001034850.3 (MANE Select); coding-DNA position 234, G replaced by A.
Protein change: p.Trp78Ter; replaces tryptophan 78 with a stop codon.
Molecular consequence: nonsense.
Genome position (GRCh38, 1-based): chr5:16,616,738, C>T on the plus strand (G>A on the coding strand, the complement: RETREG1 is on the minus strand). VCF-style: chr5-16616738-C-T. GRCh37 (hg19) VCF-style: chr5-16616847-C-T.
Other names: short protein forms W78*.
Identifiers: ClinVar variation 1457038 (VCV001457038.6), dbSNP rs2126387706, ClinGen allele CA359292738.

ClinVar aggregate classification (germline): Pathogenic (1 of 4 stars; one submission).

Submission:

Labcorp Genetics (formerly Invitae), Labcorp
Classification: Pathogenic. Last evaluated: 2022-08-15. Review status: criteria provided, single submitter. Criteria: Invitae Variant Classification Sherloc (09022015). Collection method: clinical testing. Allele origin: germline.
Comment: For these reasons, this variant has been classified as Pathogenic. ClinVar contains an entry for this variant (Variation ID: 1457038). This variant has not been reported in the literature in individuals affected with RETREG1-related conditions. This variant is not present in population databases (gnomAD no frequency). This sequence change creates a premature translational stop signal (p.Trp78*) in the RETREG1 gene. It is expected to result in an absent or disrupted protein product. Loss-of-function variants in RETREG1 are known to be pathogenic (PMID: 19838196).

Literature cited by the submitters: PubMed 19838196.